The following is an entry in ClinVar:

NM_001375834.1(WIPF1):c.1252C>T (p.Leu418Phe)

Gene: WIPF1 (WAS/WASL interacting protein family member 1; minus strand). Cytogenetic location: 2q31.1.
Variant type: single nucleotide variant.
Coding change: c.1252C>T on transcript NM_001375834.1 (MANE Select); coding-DNA position 1252, C replaced by T.
Protein change: p.Leu418Phe; replaces leucine 418 with phenylalanine.
Molecular consequence: missense variant.
Genome position (GRCh38, 1-based): chr2:174,567,951, G>A on the plus strand (C>T on the coding strand, the complement: WIPF1 is on the minus strand). VCF-style: chr2-174567951-G-A. GRCh37 (hg19) VCF-style: chr2-175432679-G-A.
Other names: c.1252C>T, p.Leu418Phe (NM_001077269.1, NM_001375832.1, NM_001375833.1 and 2 more transcripts); c.874C>T, p.Leu292Phe (NM_001375839.1); short protein forms L418F, L292F.
Identifiers: ClinVar variation 2085693 (VCV002085693.2), dbSNP rs371993338, ClinGen allele CA60841304.

ClinVar aggregate classification (germline): Uncertain significance (1 of 4 stars; one submission).

Conditions:
Wiskott-Aldrich syndrome 2 (WAS2). Also called: WIPF1 DEFICIENCY. Identifiers: Orphanet 906, MedGen C3281001, MONDO:0013779, OMIM 614493.

Allele frequency attached by ClinVar (database versions not stated): TOPMed 0.00001.
gnomAD v4.1: 3 of 1,614,146 alleles (0.00019%); highest among the groups gnomAD compares: Admixed American, 0.0017%; no homozygotes.

Submission:

Labcorp Genetics (formerly Invitae), Labcorp
Classification: Uncertain significance for Wiskott-Aldrich syndrome 2. Last evaluated: 2022-07-17. Review status: criteria provided, single submitter. Criteria: Invitae Variant Classification Sherloc (09022015). Collection method: clinical testing. Allele origin: germline.
Comment: This variant is present in population databases (no rsID available, gnomAD 0.003%). In summary, the available evidence is currently insufficient to determine the role of this variant in disease. Therefore, it has been classified as a Variant of Uncertain Significance. Algorithms developed to predict the effect of missense changes on protein structure and function are either unavailable or do not agree on the potential impact of this missense change (SIFT: "Not Available"; PolyPhen-2: "Probably Damaging"; Align-GVGD: "Not Available"). This variant has not been reported in the literature in individuals affected with WIPF1-related conditions. This sequence change replaces leucine, which is neutral and non-polar, with phenylalanine, which is neutral and non-polar, at codon 418 of the WIPF1 protein (p.Leu418Phe).